The following is an entry in ClinVar:

NM_000260.4(MYO7A):c.4461C>T (p.Asn1487=)

Gene: MYO7A (myosin VIIA; plus strand). Cytogenetic location: 11q13.5.
Variant type: single nucleotide variant.
Coding change: c.4461C>T on transcript NM_000260.4 (MANE Select); coding-DNA position 4461, C replaced by T.
Protein change: p.Asn1487=; no amino-acid change (asparagine 1487 retained).
Molecular consequence: synonymous variant.
Genome position (GRCh38, 1-based): chr11:77,198,514, C>T. VCF-style: chr11-77198514-C-T. GRCh37 (hg19) VCF-style: chr11-76909559-C-T.
Other names: p.N1487N:AAC>AAT; c.4461C>T, p.Asn1487= (NM_001127180.2); c.4428C>T, p.Asn1476= (NM_001369365.1).
Identifiers: ClinVar variation 43242 (VCV000043242.62), dbSNP rs56174006, ClinGen allele CA132326.

ClinVar aggregate classification (germline): Conflicting classifications of pathogenicity. Review status: criteria provided, conflicting classifications (1 of 4 stars). 13 submissions from 11 submitters: Uncertain significance (2); Benign (5); Likely benign (3). 3 of the submissions do not count toward it. Last evaluated 2026-07-01.

Conditions:
Usher syndrome type 1 (USH1). Also called: RETINITIS PIGMENTOSA AND CONGENITAL DEAFNESS. Identifiers: Orphanet 231169, Orphanet 886, MedGen C1568247, MONDO:0010168, OMIM 276900.
Usher syndrome type 1B (USH1B). Also called: Usher syndrome type IB. Identifiers: MedGen C1848638, MONDO:0700087.
Autosomal recessive nonsyndromic hearing loss 2. Also called: DEAFNESS, AUTOSOMAL RECESSIVE 2; NEUROSENSORY NONSYNDROMIC RECESSIVE DEAFNESS 2. Identifiers: Orphanet 90636, MedGen C1838701, MONDO:0010807, OMIM 600060.
Autosomal dominant nonsyndromic hearing loss 11. Identifiers: Orphanet 90635, MedGen C1832475, MONDO:0011032, OMIM 601317.

Allele frequency attached by ClinVar (database versions not stated): 1000 Genomes Project 30x 0.00234; gnomAD 0.00618 and 0.00588; ESP Exome Variant Server 0.00642; 1000 Genomes Project 0.00220; gnomAD exomes 0.00394 and 0.00515; ExAC 0.00411; TOPMed 0.00624.

Submissions (13):

CeGaT Center for Human Genetics Tuebingen
Classification: Likely benign. Last evaluated: 2026-07-01. Review status: criteria provided, single submitter. Criteria: CeGaT Center For Human Genetics Tuebingen Variant Classification Criteria Version 2. Collection method: clinical testing. Allele origin: germline. Affected: yes. Observed: 19 variant alleles.
Comment: MYO7A: BP4, BP7, BS2

Labcorp Genetics (formerly Invitae), Labcorp
Classification: Benign. Last evaluated: 2026-02-03. Review status: criteria provided, single submitter. Criteria: Invitae Variant Classification Sherloc (09022015). Collection method: clinical testing. Allele origin: germline.

Blueprint Genetics
Classification: Likely benign. Last evaluated: 2024-11-27. Review status: criteria provided, single submitter. Criteria: ACMG Guidelines, 2015. Collection method: clinical testing. Allele origin: germline.

Genome-Nilou Lab
Classification: Likely benign for Usher syndrome type 1. Last evaluated: 2021-05-18. Review status: criteria provided, single submitter. Criteria: ACMG Guidelines, 2015. Collection method: clinical testing. Allele origin: germline. Affected: no.

Illumina Laboratory Services, Illumina
Classification: Uncertain significance for Autosomal recessive nonsyndromic hearing loss 2. Last evaluated: 2018-01-12. Review status: criteria provided, single submitter. Criteria: ICSL Variant Classification Criteria 13 December 2019. Collection method: clinical testing. Allele origin: germline.

Illumina Laboratory Services, Illumina
Classification: Uncertain significance for Usher syndrome type 1. Last evaluated: 2018-01-12. Review status: criteria provided, single submitter. Criteria: ICSL Variant Classification Criteria 13 December 2019. Collection method: clinical testing. Allele origin: germline.

Illumina Laboratory Services, Illumina
Classification: Benign for Autosomal dominant nonsyndromic hearing loss 11. Last evaluated: 2018-01-12. Review status: criteria provided, single submitter. Criteria: ICSL Variant Classification Criteria 13 December 2019. Collection method: clinical testing. Allele origin: germline.
Comment: This variant was observed in the ICSL laboratory as part of a predisposition screen in an ostensibly healthy population. It had not been previously curated by ICSL or reported in the Human Gene Mutation Database (HGMD: prior to June 1st, 2018), and was therefore a candidate for classification through an automated scoring system. Utilizing variant allele frequency, disease prevalence and penetrance estimates, and inheritance mode, an automated score was calculated to assess if this variant is too frequent to cause the disease. Based on the score and internal cut-off values, a variant classified as benign is not then subjected to further curation. The score for this variant resulted in a classification of benign for this disease.

Eurofins Ntd Llc (ga)
Classification: Benign. Last evaluated: 2014-10-16. Review status: criteria provided, single submitter. Criteria: EGL Classification Definitions 2015. Collection method: clinical testing. Allele origin: germline. Observed: 1 variant allele, 1 heterozygote.

GeneDx
Classification: Benign. Last evaluated: 2012-09-06. Review status: criteria provided, single submitter. Criteria: GeneDx Variant Classification (06012015). Collection method: clinical testing. Allele origin: germline. Affected: yes.
Comment: This variant is considered likely benign or benign based on one or more of the following criteria: it is a conservative change, it occurs at a poorly conserved position in the protein, it is predicted to be benign by multiple in silico algorithms, and/or has population frequency not consistent with disease.

Laboratory for Molecular Medicine, Mass General Brigham Personalized Medicine
Classification: Benign. Last evaluated: 2011-03-25. Review status: criteria provided, single submitter. Criteria: LMM Criteria. Collection method: clinical testing. Allele origin: germline. Observed: 22 variant alleles.
Comment: Asn1487Asn in exon 34 of MYO7A: This variant is not expected to have clinical si gnificance because it does not alter an amino acid residue, is not located in a splice site and has been identified in 2% of cases.

Natera, Inc.
Classification: Benign for Usher syndrome type 1B. Last evaluated: 2020-09-16. Review status: no assertion criteria provided. Collection method: clinical testing. Allele origin: germline. Not counted in ClinVar's aggregate classification.

Clinical Genetics DNA and cytogenetics Diagnostics Lab, Erasmus MC, Erasmus Medical Center
Classification: Likely benign. Review status: no assertion criteria provided. Collection method: clinical testing. Allele origin: germline. Affected: yes. Study: VKGL Data-share Consensus. Not counted in ClinVar's aggregate classification.

Clinical Genetics, Academic Medical Center
Classification: Benign. Review status: no assertion criteria provided. Collection method: clinical testing. Allele origin: germline. Affected: yes. Study: VKGL Data-share Consensus. Not counted in ClinVar's aggregate classification.